The following is an entry in ClinVar:

ClinVar aggregate classification (germline): Uncertain significance (1 of 4 stars; one submission).

Conditions:
MHC class II deficiency. Also called: BLS, TYPE II; Bare lymphocyte syndrome 2. Identifiers: Orphanet 572, MedGen C5447452, MONDO:0008855.

Allele frequency attached by ClinVar (database versions not stated): gnomAD exomes below 0.00001; TOPMed below 0.00001; gnomAD 0.00001.
gnomAD v4.1: 3 of 1,614,054 alleles (0.00019%); highest among the groups gnomAD compares: Admixed American, 0.0033%; no homozygotes.

Submission:

Labcorp Genetics (formerly Invitae), Labcorp
Classification: Uncertain significance for MHC class II deficiency. Last evaluated: 2022-07-19. Review status: criteria provided, single submitter. Criteria: Invitae Variant Classification Sherloc (09022015). Collection method: clinical testing. Allele origin: germline.
Comment: This variant has not been reported in the literature in individuals affected with RFX5-related conditions. This sequence change replaces glutamine, which is neutral and polar, with arginine, which is basic and polar, at codon 233 of the RFX5 protein (p.Gln233Arg). This variant is not present in population databases (gnomAD no frequency). ClinVar contains an entry for this variant (Variation ID: 1016773). Algorithms developed to predict the effect of missense changes on protein structure and function (SIFT, PolyPhen-2, Align-GVGD) all suggest that this variant is likely to be tolerated. In summary, the available evidence is currently insufficient to determine the role of this variant in disease. Therefore, it has been classified as a Variant of Uncertain Significance.

NM_001025603.2(RFX5):c.698A>G (p.Gln233Arg)

Gene: RFX5 (regulatory factor X5; minus strand). Cytogenetic location: 1q21.3.
Variant type: single nucleotide variant.
Coding change: c.698A>G on transcript NM_001025603.2 (MANE Select); coding-DNA position 698, A replaced by G.
Protein change: p.Gln233Arg; replaces glutamine 233 with arginine.
Molecular consequence: missense variant.
Genome position (GRCh38, 1-based): chr1:151,343,740, T>C on the plus strand (A>G on the coding strand, the complement: RFX5 is on the minus strand). VCF-style: chr1-151343740-T-C. GRCh37 (hg19) VCF-style: chr1-151316216-T-C.
Other names: c.698A>G, p.Gln233Arg (NM_000449.4, NM_001379412.1, NM_001379413.1 and 5 more transcripts); c.578A>G, p.Gln193Arg (NM_001379419.1, NM_001379420.1); short protein forms Q193R, Q233R.
Identifiers: ClinVar variation 1016773 (VCV001016773.8), dbSNP rs1359830713, ClinGen allele CA341937334.
Genomic context (GRCh38, chr1:151,343,740, plus strand): 5'-CCAGCGAGCCCCATGGCCTTAAGCACATGGGCATGTGCAGATCGGGCAGAGATGAGATGC[T>C]GCTGTAGCAGGAAGCGGGCGACCTCAACGATGGAACTGAAGGACCGTTTCAGGATCCGCT-3'
Protein context (NP_001020774.1, residues 223-243): IVEVARFLLQ[Gln233Arg]HLISARSAHA